The following is an entry in ClinVar:

NC_000010.11:g.86756165C>T

Genes: BMPR1A (bone morphogenetic protein receptor type 1A; plus strand), LOC130004245 (ATAC-STARR-seq lymphoblastoid silent region 2573; plus strand). Cytogenetic location: 10q23.2.
Variant type: single nucleotide variant.
Molecular consequence: intron variant (on NM_001406562.1).
Genome position: GRCh38 VCF-style: chr10-86756165-C-T. GRCh37 (hg19) VCF-style: chr10-88515922-C-T.
Other names: c.-373+61C>T (NM_001406562.1); c.-268+61C>T (NM_001406568.1); c.-153+61C>T (NM_001406567.1); c.-373+202C>T (NM_001406564.1); c.-268+202C>T (NM_001406566.1).
Identifiers: ClinVar variation 4980324 (VCV004980324.1).
Genomic context (GRCh38, chr10:86,756,165, plus strand): 5'-GTGAGTGTCGGCCGGAGGAGGGGTCCACGCGAAAGAGCCCGCGAGAGTGGGGATATCCGG[C>T]CCCGAAGGCCGGAGCGGGCGTCCAGGGCGCCGATGGCCGCAGCGCCCGGCAGCCGTGTCC-3'

ClinVar aggregate classification (germline): Likely benign (1 of 4 stars; one submission).

Conditions:
BMPR1A-related disorder. Also called: BMPR1A-related condition.

Submission:

PreventionGenetics, part of Exact Sciences
Classification: Likely benign for BMPR1A-related condition. Last evaluated: 2025-09-24. Review status: criteria provided, single submitter. Criteria: ACMG Guidelines, 2015. Collection method: clinical testing. Allele origin: germline.
Comment: This variant is classified as likely benign based on ACMG/AMP sequence variant interpretation guidelines (Richards et al. 2015 PMID: 25741868, with internal and published modifications).